The following is an entry in ClinVar:

ClinVar aggregate classification (germline): Likely pathogenic (1 of 4 stars; one submission).

Conditions:
RYR1-related disorder. Also called: RYR1-related disorders; RYR1-related condition. Identifiers: MedGen CN239331.

Submission:

Labcorp Genetics (formerly Invitae), Labcorp
Classification: Likely pathogenic for RYR1-related disorder. Last evaluated: 2022-02-17. Review status: criteria provided, single submitter. Criteria: Invitae Variant Classification Sherloc (09022015). Collection method: clinical testing. Allele origin: unknown.
Comment: This variant is a gross deletion of the genomic region encompassing exon(s) 23 of the RYR1 gene. This variant would be expected to be in-frame, preserving the integrity of the reading frame. A similar copy number variant has been observed in individual(s) with congenital fiber type disproportion (Invitae). In at least one individual the data is consistent with being in trans (on the opposite chromosome) from a pathogenic variant. Experimental studies and prediction algorithms are not available or were not evaluated, and the functional significance of this variant is currently unknown. In summary, the currently available evidence indicates that the variant is pathogenic, but additional data are needed to prove that conclusively. Therefore, this variant has been classified as Likely Pathogenic.

NC_000019.9:g.(?_38955259)_(38955382_?)del

Gene: RYR1 (ryanodine receptor 1; plus strand). Cytogenetic location: 19q13.2.
Variant type: Deletion.
Identifiers: ClinVar variation 3248521 (VCV003248521.1).